The following is an entry in ClinVar:

ClinVar aggregate classification (germline): Pathogenic/Likely pathogenic. Review status: criteria provided, multiple submitters, no conflicts (2 of 4 stars). 2 submissions from 2 submitters: Pathogenic (1); Likely pathogenic (1). Last evaluated 2019-10-11.

Conditions:
Vitelliform macular dystrophy 2. Also called: Best Macular Dystrophy; VITELLIFORM MACULAR DYSTROPHY, EARLY-ONSET; VITELLIFORM MACULAR DYSTROPHY, JUVENILE-ONSET; Best vitelliform macular dystrophy, multifocal; Best Vitelliform Macular Dystrophy (BVMD); MACULAR DEGENERATION, POLYMORPHIC VITELLINE. Identifiers: Orphanet 1243, MedGen C2745945, MONDO:0007931, OMIM 153700.
BEST1-related disorder. Also called: BEST1-related disorders; BEST1-related condition. Identifiers: MedGen CN239200.

Submissions (2):

Blueprint Genetics
Classification: Likely pathogenic for BEST1-related disorders. Last evaluated: 2019-10-11. Review status: criteria provided, single submitter. Criteria: ACMG Guidelines, 2015. Collection method: clinical testing. Allele origin: germline. Affected: yes. Observed: 2 variant alleles.

MAGI'S LAB - Medical Genetics Laboratory, MAGI GROUP
Classification: Pathogenic for Vitelliform macular dystrophy 2. Last evaluated: 2018-08-03. Review status: criteria provided, single submitter. Criteria: ACMG Guidelines, 2015. Collection method: clinical testing. Allele origin: inherited. Inheritance: Autosomal dominant inheritance. Affected: yes. Observed: 1 variant allele, 1 heterozygote.
Comment: Assessment via ACMG Guidelines: PS1, same amino acid change as a previously established pathogenic variant regardless of nucleotide change [c.888C>A, p.(Asn296Lys) reported in Boon et al., 2007, Arch Ophthalmol 125: 1100, PubMed: 17698758]; PM1, located in a mutational hot spot and/or critical and well-established functional domain (e.g., active site of an enzyme) without benign variation; PM2, absent from controls in Exome Sequencing Project, 1000 Genomes Project, or Exome Aggregation Consortium; PP2, missense variant in a gene that has a low rate of benign missense variation and in which missense variants are a common mechanism of disease; PP3, multiple lines of computational evidence support a deleterious effect on the gene or gene product (conservation, evolutionary, splicing impact, etc.); PP4, patientâ€™s phenotype or family history is highly specific for a disease with a single genetic etiology. It is therefore classified as pathogenic. Observations: 1 Strong (PS1), 2 Moderate (PM1-PM2) AND >=2 supporting (PP2-PP3-PP4).

NM_004183.4(BEST1):c.888C>G (p.Asn296Lys)

Gene: BEST1 (bestrophin 1; plus strand). Cytogenetic location: 11q12.3.
Variant type: single nucleotide variant.
Coding change: c.888C>G on transcript NM_004183.4 (MANE Select); coding-DNA position 888, C replaced by G.
Protein change: p.Asn296Lys; replaces asparagine 296 with lysine.
Molecular consequence: missense variant. On other transcripts: non-coding transcript variant (1), intron variant (1).
Genome position (GRCh38, 1-based): chr11:61,959,518, C>G. VCF-style: chr11-61959518-C-G. GRCh37 (hg19) VCF-style: chr11-61726990-C-G.
Other names: c.708C>G, p.Asn236Lys (NM_001139443.3, NM_001300787.2); c.570C>G, p.Asn190Lys (NM_001363591.3); c.1091C>G, p.Thr364Ser (NM_001363592.2); c.-85C>G (NM_001363593.3); c.688-374C>G (NM_001300786.2); short protein forms N296K, N190K, N236K, T364S.
Identifiers: ClinVar variation 559498 (VCV000559498.3), dbSNP rs1554963058, ClinGen allele CA380843757.